The following is an entry in ClinVar:

NM_001098816.3(TENM4):c.1822A>C (p.Met608Leu)

Gene: TENM4 (teneurin transmembrane protein 4; minus strand). Cytogenetic location: 11q14.1.
Variant type: single nucleotide variant.
Coding change: c.1822A>C on transcript NM_001098816.3 (MANE Select); coding-DNA position 1822, A replaced by C.
Protein change: p.Met608Leu; replaces methionine 608 with leucine.
Molecular consequence: missense variant.
Genome position (GRCh38, 1-based): chr11:78,812,278, T>G on the plus strand (A>C on the coding strand, the complement: TENM4 is on the minus strand). VCF-style: chr11-78812278-T-G. GRCh37 (hg19) VCF-style: chr11-78523323-T-G.
Other names: c.1822A>C (NM_001098816.2); short protein forms M608L.
Identifiers: ClinVar variation 2642229 (VCV002642229.25), dbSNP rs760808415, ClinGen allele CA6207496.

ClinVar aggregate classification (germline): Uncertain significance. Review status: criteria provided, multiple submitters, no conflicts (2 of 4 stars). 2 submissions from 2 submitters: Uncertain significance (2). Last evaluated 2024-11-07.

Allele frequency attached by ClinVar (database versions not stated): gnomAD 0.00004; TOPMed 0.00004; ExAC 0.00009.
gnomAD v4.1: 141 of 1,551,784 alleles (0.0091%); highest among the groups gnomAD compares: Non-Finnish European, 0.012%; no homozygotes.

Submissions (2):

Ambry Genetics
Classification: Uncertain significance. Last evaluated: 2024-11-07. Review status: criteria provided, single submitter. Criteria: Ambry Variant Classification Scheme 2023. Collection method: clinical testing. Allele origin: germline.

CeGaT Center for Human Genetics Tuebingen
Classification: Uncertain significance. Last evaluated: 2023-01-01. Review status: criteria provided, single submitter. Criteria: CeGaT Center For Human Genetics Tuebingen Variant Classification Criteria Version 2. Collection method: clinical testing. Allele origin: germline. Affected: yes. Observed: 1 variant allele.
Comment: TENM4: PM2:Supporting